The following is an entry in ClinVar:

ClinVar aggregate classification (germline): Uncertain significance (1 of 4 stars; one submission).

Conditions:
Niemann-Pick disease, type C1. Also called: NEUROVISCERAL STORAGE DISEASE WITH VERTICAL SUPRANUCLEAR OPHTHALMOPLEGIA; NIEMANN-PICK DISEASE WITH CHOLESTEROL ESTERIFICATION BLOCK; NIEMANN-PICK DISEASE WITHOUT SPHINGOMYELINASE DEFICIENCY; NIEMANN-PICK DISEASE, CHRONIC NEURONOPATHIC FORM; NIEMANN-PICK DISEASE, VARIANT TYPE C1. Identifiers: Orphanet 646, MedGen C3179455, MONDO:0009757, OMIM 257220.

Submission:

Labcorp Genetics (formerly Invitae), Labcorp
Classification: Uncertain significance for Niemann-Pick disease, type C1. Last evaluated: 2024-12-02. Review status: criteria provided, single submitter. Criteria: Invitae Variant Classification Sherloc (09022015). Collection method: clinical testing. Allele origin: germline.
Comment: This sequence change replaces asparagine, which is neutral and polar, with tyrosine, which is neutral and polar, at codon 70 of the NPC1 protein (p.Asn70Tyr). This variant is not present in population databases (gnomAD no frequency). This variant has not been reported in the literature in individuals affected with NPC1-related conditions. ClinVar contains an entry for this variant (Variation ID: 1354673). Invitae Evidence Modeling of protein sequence and biophysical properties (such as structural, functional, and spatial information, amino acid conservation, physicochemical variation, residue mobility, and thermodynamic stability) has been performed for this missense variant. However, the output from this modeling did not meet the statistical confidence thresholds required to predict the impact of this variant on NPC1 protein function. In summary, the available evidence is currently insufficient to determine the role of this variant in disease. Therefore, it has been classified as a Variant of Uncertain Significance.

NM_000271.5(NPC1):c.208A>T (p.Asn70Tyr)

Gene: NPC1 (NPC intracellular cholesterol transporter 1; minus strand). Cytogenetic location: 18q11.2.
Variant type: single nucleotide variant.
Coding change: c.208A>T on transcript NM_000271.5 (MANE Select); coding-DNA position 208, A replaced by T.
Protein change: p.Asn70Tyr; replaces asparagine 70 with tyrosine.
Molecular consequence: missense variant.
Genome position (GRCh38, 1-based): chr18:23,572,153, T>A on the plus strand (A>T on the coding strand, the complement: NPC1 is on the minus strand). VCF-style: chr18-23572153-T-A. GRCh37 (hg19) VCF-style: chr18-21152117-T-A.
Other names: short protein forms N70Y.
Identifiers: ClinVar variation 1354673 (VCV001354673.6), dbSNP rs2145544807, ClinGen allele CA401786520.